The following is an entry in ClinVar:

ClinVar aggregate classification (germline): Uncertain significance (1 of 4 stars; one submission).

Submission:

Labcorp Genetics (formerly Invitae), Labcorp
Classification: Uncertain significance. Last evaluated: 2023-06-14. Review status: criteria provided, single submitter. Criteria: Invitae Variant Classification Sherloc (09022015). Collection method: clinical testing. Allele origin: germline.
Comment: This variant has not been reported in the literature in individuals affected with TOP2B-related conditions. In summary, the available evidence is currently insufficient to determine the role of this variant in disease. Therefore, it has been classified as a Variant of Uncertain Significance. An algorithm developed to predict the effect of missense changes on protein structure and function (PolyPhen-2) suggests that this variant is likely to be disruptive. This variant is not present in population databases (gnomAD no frequency). This sequence change replaces leucine, which is neutral and non-polar, with arginine, which is basic and polar, at codon 507 of the TOP2B protein (p.Leu507Arg).

NM_001330700.2(TOP2B):c.1535T>G (p.Leu512Arg)

Gene: TOP2B (DNA topoisomerase II beta; minus strand). Cytogenetic location: 3p24.2.
Variant type: single nucleotide variant.
Coding change: c.1535T>G on transcript NM_001330700.2 (MANE Select); coding-DNA position 1535, T replaced by G.
Protein change: p.Leu512Arg; replaces leucine 512 with arginine.
Molecular consequence: missense variant.
Genome position (GRCh38, 1-based): chr3:25,630,340, A>C on the plus strand (T>G on the coding strand, the complement: TOP2B is on the minus strand). VCF-style: chr3-25630340-A-C. GRCh37 (hg19) VCF-style: chr3-25671831-A-C.
Other names: c.1520T>G, p.Leu507Arg (NM_001068.3); short protein forms L512R, L507R.
Identifiers: ClinVar variation 2864091 (VCV002864091.3), dbSNP rs2470353628, ClinGen allele CA351909228.